The following is an entry in ClinVar:

NM_000440.3(PDE6A):c.282G>A (p.Met94Ile)

Gene: PDE6A (phosphodiesterase 6A; minus strand). Cytogenetic location: 5q32.
Variant type: single nucleotide variant.
Coding change: c.282G>A on transcript NM_000440.3 (MANE Select); coding-DNA position 282, G replaced by A.
Protein change: p.Met94Ile; replaces methionine 94 with isoleucine.
Molecular consequence: missense variant.
Genome position (GRCh38, 1-based): chr5:149,944,392, C>T on the plus strand (G>A on the coding strand, the complement: PDE6A is on the minus strand). VCF-style: chr5-149944392-C-T. GRCh37 (hg19) VCF-style: chr5-149323955-C-T.
Other names: short protein forms M94I.
Identifiers: ClinVar variation 905414 (VCV000905414.12), dbSNP rs150808864, ClinGen allele CA3505092.

ClinVar aggregate classification (germline): Uncertain significance. Review status: criteria provided, multiple submitters, no conflicts (2 of 4 stars). 5 submissions from 5 submitters: Uncertain significance (4). 1 of the submissions does not count toward it. Last evaluated 2026-08-11.

Conditions:
PDE6A-related disorder. Also called: PDE6A-related condition.
Retinal dystrophy. Also called: Inherited retinal dystrophy. Identifiers: Orphanet 71862, MedGen C0854723, MeSH D058499, MONDO:0019118, HP:0000556.
Retinitis pigmentosa (RP). Identifiers: Orphanet 791, MedGen C0035334, MeSH D012174, MONDO:0019200, OMIM 268000. Inheritance: Autosomal dominant, autosomal recessive and X linked inheritance.

Allele frequency attached by ClinVar (database versions not stated): ESP Exome Variant Server 0.00015; TOPMed 0.00015; gnomAD 0.00023; gnomAD exomes 0.00029 and 0.00034; 1000 Genomes Project 30x 0.00031; ExAC 0.00032; 1000 Genomes Project 0.00040.
gnomAD v4.1: 549 of 1,614,138 alleles (0.034%); highest among the groups gnomAD compares: Non-Finnish European, 0.04%; no homozygotes.

Submissions (5):

PreventionGenetics, part of Exact Sciences
Classification: Uncertain significance for PDE6A-related condition. Last evaluated: 2026-08-11. Review status: criteria provided, single submitter. Criteria: ACMG Guidelines, 2015. Collection method: clinical testing. Allele origin: germline.
Comment: The PDE6A c.282G>A variant is predicted to result in the amino acid substitution p.Met94Ile. This variant was previously described in a large cohort of individuals with retinal disease (supplementary data, Maggi et al. 2024. PubMed ID: 38928247). This variant is reported in 0.048% of alleles in individuals of European (Finnish) descent in gnomAD. At this time, the clinical significance of this variant is uncertain due to the absence of conclusive functional and genetic evidence.

Labcorp Genetics (formerly Invitae), Labcorp
Classification: Uncertain significance. Last evaluated: 2025-12-14. Review status: criteria provided, single submitter. Criteria: Invitae Variant Classification Sherloc (09022015). Collection method: clinical testing. Allele origin: germline.
Comment: This sequence change replaces methionine, which is neutral and non-polar, with isoleucine, which is neutral and non-polar, at codon 94 of the PDE6A protein (p.Met94Ile). This variant is present in population databases (rs150808864, gnomAD 0.05%). This variant has not been reported in the literature in individuals affected with PDE6A-related conditions. ClinVar contains an entry for this variant (Variation ID: 905414). Invitae Evidence Modeling of protein sequence and biophysical properties (such as structural, functional, and spatial information, amino acid conservation, physicochemical variation, residue mobility, and thermodynamic stability) indicates that this missense variant is not expected to disrupt PDE6A protein function with a negative predictive value of 95%. In summary, the available evidence is currently insufficient to determine the role of this variant in disease. Therefore, it has been classified as a Variant of Uncertain Significance.

Blueprint Genetics
Classification: Uncertain significance. Last evaluated: 2024-07-02. Review status: criteria provided, single submitter. Criteria: ACMG Guidelines, 2015. Collection method: clinical testing. Allele origin: germline.

Illumina Laboratory Services, Illumina
Classification: Uncertain significance for Retinitis pigmentosa. Last evaluated: 2018-01-13. Review status: criteria provided, single submitter. Criteria: ICSL Variant Classification Criteria 13 December 2019. Collection method: clinical testing. Allele origin: germline.

Institute of Human Genetics, Univ. Regensburg, Univ. Regensburg
Classification: Uncertain significance for Retinal dystrophy. Last evaluated: 2020-01-01. Review status: no assertion criteria provided. Criteria: ACMG Guidelines, 2015. Collection method: clinical testing. Allele origin: germline. Affected: yes. Not counted in ClinVar's aggregate classification.